The following is an entry in ClinVar:

NM_025114.4(CEP290):c.5408A>G (p.Glu1803Gly)

Gene: CEP290 (centrosomal protein 290; minus strand). Cytogenetic location: 12q21.32.
Variant type: single nucleotide variant.
Coding change: c.5408A>G on transcript NM_025114.4 (MANE Select); coding-DNA position 5408, A replaced by G.
Protein change: p.Glu1803Gly; replaces glutamic acid 1803 with glycine.
Molecular consequence: missense variant.
Genome position (GRCh38, 1-based): chr12:88,077,875, T>C on the plus strand (A>G on the coding strand, the complement: CEP290 is on the minus strand). VCF-style: chr12-88077875-T-C. GRCh37 (hg19) VCF-style: chr12-88471652-T-C.
Other names: short protein forms E1803G.
Identifiers: ClinVar variation 3353958 (VCV003353958.1).

ClinVar aggregate classification (germline): Uncertain significance (0 of 4 stars; one submission).

Conditions:
CEP290-related disorder. Also called: CEP290-related condition; CEP290-related disorders. Identifiers: MedGen CN239314.

gnomAD v4.1: 2 of 1,407,656 alleles (0.00014%); highest among the groups gnomAD compares: African/African-American, 0.0029%; no homozygotes.

Submission:

PreventionGenetics, part of Exact Sciences
Classification: Uncertain significance for CEP290-related condition. Last evaluated: 2024-07-30. Review status: no assertion criteria provided. Collection method: clinical testing. Allele origin: germline.
Comment: The CEP290 c.5408A>G variant is predicted to result in the amino acid substitution p.Glu1803Gly. This variant has not been reported in a large population database, indicating this variant is rare. An alternate nucleotide change affecting the same amino acid (p.Glu1803Asp) has been reported in the compound heterozygous state in an individual affected with non-syndromic retinitis pigmentosa (PubMed ID: Ge et al. 2015. PubMed ID: 26667666). At this time, the clinical significance of this variant is uncertain due to the absence of conclusive functional and genetic evidence.